The following is an entry in ClinVar:

NM_005732.4(RAD50):c.1759A>C (p.Ile587Leu)

Gene: RAD50 (RAD50 double strand break repair protein; plus strand). Cytogenetic location: 5q31.1.
Variant type: single nucleotide variant.
Coding change: c.1759A>C on transcript NM_005732.4 (MANE Select); coding-DNA position 1759, A replaced by C.
Protein change: p.Ile587Leu; replaces isoleucine 587 with leucine.
Molecular consequence: missense variant.
Genome position (GRCh38, 1-based): chr5:132,592,000, A>C. VCF-style: chr5-132592000-A-C. GRCh37 (hg19) VCF-style: chr5-131927692-A-C.
Other names: short protein forms I587L.
Identifiers: ClinVar variation 142275 (VCV000142275.16), dbSNP rs138796822, ClinGen allele CA333246.

ClinVar aggregate classification (germline): Conflicting classifications of pathogenicity. Review status: criteria provided, conflicting classifications (1 of 4 stars). 4 submissions from 4 submitters: Uncertain significance (3); Likely benign (1). Last evaluated 2025-11-23.

Conditions:
Hereditary cancer-predisposing syndrome. Also called: Neoplastic Syndromes, Hereditary; Tumor predisposition; Hereditary Cancer Syndrome; Hereditary neoplastic syndrome. Identifiers: Orphanet 140162, MedGen C0027672, MeSH D009386, MONDO:0015356.
Nijmegen breakage syndrome-like disorder (NBSLD). Also called: MICROCEPHALY AND SPONTANEOUS CHROMOSOME INSTABILITY WITHOUT IMMUNODEFICIENCY; NBS-LIKE DISORDER; RAD50 DEFICIENCY. Identifiers: Orphanet 240760, MedGen C2751318, MONDO:0013118, OMIM 613078.

Allele frequency attached by ClinVar (database versions not stated): gnomAD exomes 0.00001 and 0.00002; ExAC 0.00002; gnomAD 0.00003 and 0.00004; TOPMed 0.00003; ESP Exome Variant Server 0.00008.
gnomAD v4.1: 39 of 1,613,190 alleles (0.0024%); highest among the groups gnomAD compares: Non-Finnish European, 0.0031%; no homozygotes.

Submissions (4):

Labcorp Genetics (formerly Invitae), Labcorp
Classification: Uncertain significance for Hereditary cancer-predisposing syndrome. Last evaluated: 2025-11-23. Review status: criteria provided, single submitter. Criteria: Invitae Variant Classification Sherloc (09022015). Collection method: clinical testing. Allele origin: germline.
Comment: This sequence change replaces isoleucine, which is neutral and non-polar, with leucine, which is neutral and non-polar, at codon 587 of the RAD50 protein (p.Ile587Leu). This variant is present in population databases (rs138796822, gnomAD 0.004%). This variant has not been reported in the literature in individuals affected with RAD50-related conditions. ClinVar contains an entry for this variant (Variation ID: 142275). Invitae Evidence Modeling of protein sequence and biophysical properties (such as structural, functional, and spatial information, amino acid conservation, physicochemical variation, residue mobility, and thermodynamic stability) indicates that this missense variant is not expected to disrupt RAD50 protein function with a negative predictive value of 80%. In summary, the available evidence is currently insufficient to determine the role of this variant in disease. Therefore, it has been classified as a Variant of Uncertain Significance.

Fulgent Genetics
Classification: Uncertain significance for Nijmegen breakage syndrome-like disorder. Last evaluated: 2024-01-22. Review status: criteria provided, single submitter. Criteria: ACMG Guidelines, 2015. Collection method: clinical testing. Allele origin: germline.

Ambry Genetics
Classification: Likely benign for Hereditary cancer-predisposing syndrome. Last evaluated: 2023-12-15. Review status: criteria provided, single submitter. Criteria: Ambry Variant Classification Scheme 2023. Collection method: clinical testing. Allele origin: germline.

Quest Diagnostics Nichols Institute San Juan Capistrano
Classification: Uncertain significance. Last evaluated: 2023-09-02. Review status: criteria provided, single submitter. Criteria: Quest Diagnostics criteria. Collection method: clinical testing. Allele origin: unknown.
Comment: This variant has not been reported in the published literature. The frequency of this variant in the general population, 0.000023 (3/128994 chromosomes (Genome Aggregation Database)), is uninformative in the assessment of its pathogenicity. Analysis of this variant using bioinformatics tools for the prediction of the effect of amino acid changes on protein structure and function yielded predictions that this variant is benign. Based on the available information, we are unable to determine the clinical significance of this variant.